The following is an entry in ClinVar:

NM_001375524.1(TRRAP):c.1769T>G (p.Ile590Ser)

Gene: TRRAP (transformation/transcription domain associated protein; plus strand). Cytogenetic location: 7q22.1.
Variant type: single nucleotide variant.
Coding change: c.1769T>G on transcript NM_001375524.1 (MANE Select); coding-DNA position 1769, T replaced by G.
Protein change: p.Ile590Ser; replaces isoleucine 590 with serine.
Molecular consequence: missense variant.
Genome position (GRCh38, 1-based): chr7:98,910,564, T>G. VCF-style: chr7-98910564-T-G. GRCh37 (hg19) VCF-style: chr7-98508187-T-G.
Other names: c.1769T>G, p.Ile590Ser (NM_001244580.2, NM_003496.4); short protein forms I590S.
Identifiers: ClinVar variation 3375653 (VCV003375653.1).

ClinVar aggregate classification (germline): Uncertain significance (1 of 4 stars; one submission).

gnomAD v4.1: 1 of 1,613,922 alleles (0.000062%); highest among the groups gnomAD compares: South Asian, 0.0011%; no homozygotes.

Submission:

GeneDx
Classification: Uncertain significance. Last evaluated: 2024-05-10. Review status: criteria provided, single submitter. Criteria: GeneDx Variant Classification Process June 2021. Collection method: clinical testing. Allele origin: germline. Affected: yes.
Comment: In silico analysis supports that this missense variant has a deleterious effect on protein structure/function; Has not been previously published as pathogenic or benign to our knowledge